The following is an entry in ClinVar:

ClinVar aggregate classification (germline): Pathogenic (1 of 4 stars; one submission).

Conditions:
Cardiovascular phenotype. Identifiers: MedGen CN230736.
Hereditary cancer-predisposing syndrome. Also called: Tumor predisposition; Neoplastic Syndromes, Hereditary; Hereditary neoplastic syndrome; Hereditary Cancer Syndrome. Identifiers: Orphanet 140162, MedGen C0027672, MeSH D009386, MONDO:0015356.

Submission:

Ambry Genetics
Classification: Pathogenic for Cardiovascular phenotype; Hereditary cancer-predisposing syndrome. Last evaluated: 2025-07-18. Review status: criteria provided, single submitter. Criteria: Ambry Variant Classification Scheme 2023. Collection method: clinical testing. Allele origin: germline.
Comment: The c.1574_1580delTGCAGTT pathogenic mutation, located in coding exon 14 of the LZTR1 gene, results from a deletion of 7 nucleotides at nucleotide positions 1574 to 1580, causing a translational frameshift with a predicted alternate stop codon (p.M525Tfs*29).This variant is considered to be rare based on population cohorts in the Genome Aggregation Database (gnomAD). This alteration is expected to result in loss of function by premature protein truncation or nonsense-mediated mRNA decay. Loss-of-function variants in LZTR1 are related to an increased risk for schwannomas and autosomal recessive Noonan syndrome; however, such associations with autosomal dominant Noonan syndrome have not been observed (Piotrowski A et al. Nat Genet. 2014 Feb;46:182-7; Yamamoto GL et al. J Med Genet. 2015 Jun;52:413-21; Johnston JJ et al. Genet Med. 2018 10;20:1175-1185). Based on the supporting evidence, this variant is pathogenic for an increased risk of LZTR1-related schwannomatosis (SWN) and would be expected to cause autosomal recessive Noonan syndrome when present along with a second pathogenic or likely pathogenic variant on the other allele; however, the association of this alteration with autosomal dominant Noonan syndrome is unlikely.

NM_006767.4(LZTR1):c.1574_1580del (p.Met525fs)

Gene: LZTR1 (leucine zipper like post translational regulator 1; plus strand). Cytogenetic location: 22q11.21.
Variant type: Deletion.
Coding change: c.1574_1580del on transcript NM_006767.4 (MANE Select); coding-DNA positions 1574 to 1580, 7 bases deleted (TGCAGTT; older notation c.1574_1580delTGCAGTT).
Protein change: p.Met525fs; shifts the reading frame from methionine 525.
Molecular consequence: frameshift variant.
Genome position (GRCh38, 1-based): chr22:20,994,228-20,994,234, TGCAGTT deleted. VCF-style (leftmost placement, unchanged base first): chr22-20994227-ATGCAGTT-A. GRCh37 (hg19) VCF-style: chr22-21348516-ATGCAGTT-A.
Other names: short protein forms M525fs.
Identifiers: ClinVar variation 4101880 (VCV004101880.1).
Genomic context (GRCh38, chr22:20,994,227, plus strand): 5'-CGGCCGCCCCTGCTGCACGTGGCCATCCGGGAGGCCGAGGCCCGGCCCTTCGAGGTGCTC[ATGCAGTT>A]CCTCTACACCGACAAGATCAAATACCCACGGAAAGGTCCGCCTGGGTGGGGGTGGAGCAG-3'